The following is an entry in ClinVar:

NM_001382430.1(AKT1):c.288-1G>C

Gene: AKT1 (AKT serine/threonine kinase 1; minus strand). Cytogenetic location: 14q32.33.
Variant type: single nucleotide variant.
Coding change: c.288-1G>C on transcript NM_001382430.1 (MANE Select); the canonical splice acceptor site of the intron before coding-DNA position 288, G replaced by C.
Molecular consequence: splice acceptor variant.
Genome position (GRCh38, 1-based): chr14:104,775,800, C>G on the plus strand (G>C on the coding strand, the complement: AKT1 is on the minus strand). VCF-style: chr14-104775800-C-G. GRCh37 (hg19) VCF-style: chr14-105242137-C-G.
Other names: c.288-1G>C (NM_001014431.2, NM_001014432.2, NM_001382433.1 and 3 more transcripts).
Identifiers: ClinVar variation 2100636 (VCV002100636.4), dbSNP rs2542150222, ClinGen allele CA391220530.

ClinVar aggregate classification (germline): Uncertain significance (1 of 4 stars; one submission).

Conditions:
Cowden syndrome 6 (CWS6). Identifiers: Orphanet 201, MedGen C3554519, MONDO:0014048, OMIM 615109.

Submission:

Labcorp Genetics (formerly Invitae), Labcorp
Classification: Uncertain significance for Cowden syndrome 6. Last evaluated: 2022-03-08. Review status: criteria provided, single submitter. Criteria: Invitae Variant Classification Sherloc (09022015). Collection method: clinical testing. Allele origin: germline.
Comment: This sequence change affects an acceptor splice site in intron 4 of the AKT1 gene. It is expected to disrupt RNA splicing. Variants that disrupt the donor or acceptor splice site typically lead to a loss of protein function (PMID: 16199547), however the current clinical and genetic evidence is not sufficient to establish whether loss-of-function variants in AKT1 cause disease. This variant is not present in population databases (gnomAD no frequency). Algorithms developed to predict the effect of sequence changes on RNA splicing suggest that this variant may disrupt the consensus splice site. This variant has not been reported in the literature in individuals affected with AKT1-related conditions. In summary, the available evidence is currently insufficient to determine the role of this variant in disease. Therefore, it has been classified as a Variant of Uncertain Significance.

Literature cited by the submitters: PubMed 16199547.